The following is an entry in ClinVar:

ClinVar aggregate classification (germline): Uncertain significance (1 of 4 stars; one submission).

Submission:

Labcorp Genetics (formerly Invitae), Labcorp
Classification: Uncertain significance. Last evaluated: 2026-01-06. Review status: criteria provided, single submitter. Criteria: Invitae Variant Classification Sherloc (09022015). Collection method: clinical testing. Allele origin: germline.
Comment: This sequence change is expected to alter the c-terminus of the DNAJC17 protein (p.Arg271Glyfs*). While this is not anticipated to result in nonsense mediated decay, it is expected to disrupt the last 34 amino acid(s) of the DNAJC17 protein and extend the protein by 46 additional amino acid residues. This variant is present in population databases (rs773516322, gnomAD 0.001%). This variant has not been reported in the literature in individuals affected with DNAJC17-related conditions. Experimental studies and prediction algorithms are not available or were not evaluated, and the functional significance of this variant is currently unknown. In summary, the available evidence is currently insufficient to determine the role of this variant in disease. Therefore, it has been classified as a Variant of Uncertain Significance.

NM_018163.3(DNAJC17):c.811_812del (p.Arg271fs)

Gene: DNAJC17 (DnaJ heat shock protein family (Hsp40) member C17; minus strand). Cytogenetic location: 15q15.1.
Variant type: Microsatellite.
Coding change: c.811_812del on transcript NM_018163.3 (MANE Select); coding-DNA positions 811 to 812, 2 bases deleted (AG; older notation c.811_812delAG).
Protein change: p.Arg271fs; shifts the reading frame from arginine 271.
Molecular consequence: frameshift variant.
Genome position (GRCh38, 1-based): chr15:40,768,043-40,768,044, CT deleted on the plus strand (AG on the coding strand, the reverse complement: DNAJC17 is on the minus strand); deleting any 2 consecutive bases within chr15:40,768,043-40,768,048 gives the same sequence; the c. name uses the placement nearest the transcript's 3' end. VCF-style (leftmost placement, unchanged base first): chr15-40768042-CCT-C. GRCh37 (hg19) VCF-style: chr15-41060240-CCT-C.
Other names: short protein forms R271fs.
Identifiers: ClinVar variation 2963730 (VCV002963730.3), dbSNP rs773516322, ClinGen allele CA7484927.
Genomic context (GRCh38, chr15:40,768,042, plus strand): 5'-GATCAGCTGTTGCCGCTCGGCCGCCTGGCGCATGCGCATCATGACGAGGCTCTCGTAGTC[CCT>C]CTCTGACAGCACTGAGCCCTGTCGGACAGGGCAGGGACAGGGAGGGGTCAGGGACAGCAG-3'